The following is an entry in ClinVar:

ClinVar aggregate classification (germline): Benign. Review status: criteria provided, multiple submitters, no conflicts (2 of 4 stars). 5 submissions from 5 submitters: Benign (3). 2 of the submissions do not count toward it. Last evaluated 2024-02-01.

Allele frequency attached by ClinVar (database versions not stated): 1000 Genomes Project 0.00599; 1000 Genomes Project 30x 0.00625; ExAC 0.00745; gnomAD exomes 0.00779 and 0.01186; gnomAD 0.00794 and 0.00796; TOPMed 0.00794; ESP Exome Variant Server 0.00827.
gnomAD v4.1: 18,450 of 1,613,830 alleles (1.1%); highest among the groups gnomAD compares: Non-Finnish European, 1.4%; 136 homozygotes.

Submissions (5):

CeGaT Center for Human Genetics Tuebingen
Classification: Benign. Last evaluated: 2024-02-01. Review status: criteria provided, single submitter. Criteria: CeGaT Center For Human Genetics Tuebingen Variant Classification Criteria Version 2. Collection method: clinical testing. Allele origin: germline. Affected: yes. Observed: 1 variant allele.
Comment: DNAH10: BS1, BS2

Labcorp Genetics (formerly Invitae), Labcorp
Classification: Benign. Last evaluated: 2019-12-31. Review status: criteria provided, single submitter. Criteria: Invitae Variant Classification Sherloc (09022015). Collection method: clinical testing. Allele origin: germline.

Breakthrough Genomics
Classification: Benign. Review status: criteria provided, single submitter. Criteria: ACMG Guidelines, 2015. Collection method: not provided. Allele origin: germline. Inheritance: Autosomal recessive inheritance. Affected: yes.

Clinical Genetics, Academic Medical Center
Classification: Benign. Review status: no assertion criteria provided. Collection method: clinical testing. Allele origin: germline. Affected: yes. Study: VKGL Data-share Consensus. Not counted in ClinVar's aggregate classification.

Laboratory of Diagnostic Genome Analysis, Leiden University Medical Center (LUMC)
Classification: Likely benign. Review status: no assertion criteria provided. Collection method: clinical testing. Allele origin: germline. Affected: yes. Study: VKGL Data-share Consensus. Not counted in ClinVar's aggregate classification.

NM_001372106.1(DNAH10):c.6040G>A (p.Val2014Met)

Gene: DNAH10 (dynein axonemal heavy chain 10; plus strand). Cytogenetic location: 12q24.31.
Variant type: single nucleotide variant.
Coding change: c.6040G>A on transcript NM_001372106.1 (MANE Select); coding-DNA position 6040, G replaced by A.
Protein change: p.Val2014Met; replaces valine 2014 with methionine.
Molecular consequence: missense variant.
Genome position (GRCh38, 1-based): chr12:123,848,820, G>A. VCF-style: chr12-123848820-G-A. GRCh37 (hg19) VCF-style: chr12-124333367-G-A.
Other names: c.5686G>A, p.Val1896Met (NM_207437.3); short protein forms V1896M, V2014M.
Identifiers: ClinVar variation 789326 (VCV000789326.30), dbSNP rs75173589, ClinGen allele CA6864045.